The following is an entry in ClinVar:

NM_004333.6(BRAF):c.1579A>G (p.Ile527Val)

Gene: BRAF (B-Raf proto-oncogene, serine/threonine kinase; minus strand). Cytogenetic location: 7q34.
Variant type: single nucleotide variant.
Coding change: c.1579A>G on transcript NM_004333.6 (MANE Select); coding-DNA position 1579, A replaced by G.
Protein change: p.Ile527Val; replaces isoleucine 527 with valine.
Molecular consequence: missense variant.
Genome position (GRCh38, 1-based): chr7:140,777,027, T>C on the plus strand (A>G on the coding strand, the complement: BRAF is on the minus strand). VCF-style: chr7-140777027-T-C. GRCh37 (hg19) VCF-style: chr7-140476827-T-C.
Other names: c.1579A>G, p.Ile527Val (NM_001354609.2, NM_001378468.1, NM_001378474.1); c.1699A>G, p.Ile567Val (NM_001374244.1, NM_001374258.1); c.1588A>G, p.Ile530Val (NM_001378467.1); c.1513A>G, p.Ile505Val (NM_001378469.1); c.1477A>G, p.Ile493Val (NM_001378470.1); c.1468A>G, p.Ile490Val (NM_001378471.1); c.1423A>G, p.Ile475Val (NM_001378472.1, NM_001378473.1); c.1315A>G, p.Ile439Val (NM_001378475.1); short protein forms I567V, I439V, I490V, I505V, I527V, I530V, I475V, I493V.
Identifiers: ClinVar variation 3706117 (VCV003706117.2).

ClinVar aggregate classification (germline): Uncertain significance (1 of 4 stars; one submission).

Conditions:
RASopathy. Also called: rasopathies; Noonan spectrum disorder. Identifiers: Orphanet 536391, MedGen C5555857, MONDO:0021060.

Submission:

Labcorp Genetics (formerly Invitae), Labcorp
Classification: Uncertain significance for RASopathy. Last evaluated: 2024-11-03. Review status: criteria provided, single submitter. Criteria: Invitae Variant Classification Sherloc (09022015). Collection method: clinical testing. Allele origin: germline.
Comment: This sequence change replaces isoleucine, which is neutral and non-polar, with valine, which is neutral and non-polar, at codon 527 of the BRAF protein (p.Ile527Val). This variant is not present in population databases (gnomAD no frequency). This variant has not been reported in the literature in individuals affected with BRAF-related conditions. Invitae Evidence Modeling of protein sequence and biophysical properties (such as structural, functional, and spatial information, amino acid conservation, physicochemical variation, residue mobility, and thermodynamic stability) indicates that this missense variant is expected to disrupt BRAF protein function with a positive predictive value of 80%. In summary, the available evidence is currently insufficient to determine the role of this variant in disease. Therefore, it has been classified as a Variant of Uncertain Significance.